The following is an entry in ClinVar:

ClinVar aggregate classification (germline): Uncertain significance (1 of 4 stars; one submission).

Allele frequency attached by ClinVar (database versions not stated): TOPMed 0.00002; gnomAD 0.00001; gnomAD exomes 0.00001.
gnomAD v4.1: 5 of 1,209,495 alleles (0.00041%); highest among the groups gnomAD compares: Admixed American, 0.011%; no homozygotes.

Submission:

GeneDx
Classification: Uncertain significance. Last evaluated: 2016-06-14. Review status: criteria provided, single submitter. Criteria: GeneDx Variant Classification (06012015). Collection method: clinical testing. Allele origin: germline. Affected: yes.
Comment: The I12L variant in the ARHGEF6 gene has not been reported previously as a pathogenic variant, nor as a benign variant, to our knowledge. The I12L variant was not observed in approximately 6,500 individuals of European and African American ancestry in the NHLBI Exome Sequencing Project, indicating it is not a common benign variant in these populations. The I12L variant is a conservative amino acid substitution, which is not likely to impact secondary protein structure as these residues share similar properties. However, this substitution occurs at a position that is conserved across species, and in silico analysis predicts this variant is probably damaging to the protein structure/function. We interpret I12L as a variant of uncertain significance.

NM_004840.3(ARHGEF6):c.34A>T (p.Ile12Leu)

Gene: ARHGEF6 (Rac/Cdc42 guanine nucleotide exchange factor 6; minus strand). Cytogenetic location: Xq26.3.
Variant type: single nucleotide variant.
Coding change: c.34A>T on transcript NM_004840.3 (MANE Select); coding-DNA position 34, A replaced by T.
Protein change: p.Ile12Leu; replaces isoleucine 12 with leucine.
Molecular consequence: missense variant.
Genome position (GRCh38, 1-based): chrX:136,780,849, T>A on the plus strand (A>T on the coding strand, the complement: ARHGEF6 is on the minus strand). VCF-style: chrX-136780849-T-A. GRCh37 (hg19) VCF-style: chrX-135863008-T-A.
Other names: short protein forms I12L.
Identifiers: ClinVar variation 387108 (VCV000387108.2), dbSNP rs1057522694, ClinGen allele CA16608714.
Genomic context (GRCh38, chrX:136,780,849, plus strand): 5'-TTAAAAACTCCTCCGGATCACAGATGGTCTTTTTAGGGGACTCTAAAACTCCCAAAGATA[T>A]AAGCCATGTCACGATTTGTTCTTCTGGATTCATTACTGAGGACGGTACACTCCAAACAGC-3'
Protein context (NP_004831.1, residues 2-22): NPEEQIVTWL[Ile12Leu]SLGVLESPKK